The following is an entry in ClinVar:

ClinVar aggregate classification (germline): Pathogenic (1 of 4 stars; one submission).

Submission:

Labcorp Genetics (formerly Invitae), Labcorp
Classification: Pathogenic. Last evaluated: 2025-08-21. Review status: criteria provided, single submitter. Criteria: Invitae Variant Classification Sherloc (09022015). Collection method: clinical testing. Allele origin: germline.
Comment: This sequence change creates a premature translational stop signal (p.Asn280Serfs*52) in the GPR179 gene. It is expected to result in an absent or disrupted protein product. Loss-of-function variants in GPR179 are known to be pathogenic (PMID: 22325361, 22325362). This variant is present in population databases (no rsID available, gnomAD 0.003%). This variant has not been reported in the literature in individuals affected with GPR179-related conditions. For these reasons, this variant has been classified as Pathogenic.

Literature cited by the submitters: PubMed 22325361; PubMed 22325362.

NM_001004334.4(GPR179):c.839_842del (p.Asn280fs)

Gene: GPR179 (G protein-coupled receptor 179; minus strand). Cytogenetic location: 17q12.
Variant type: Microsatellite.
Coding change: c.839_842del on transcript NM_001004334.4 (MANE Select); coding-DNA positions 839 to 842, 4 bases deleted (ATCA; older notation c.839_842delATCA).
Protein change: p.Asn280fs; shifts the reading frame from asparagine 280.
Molecular consequence: frameshift variant.
Genome position (GRCh38, 1-based): chr17:38,339,478-38,339,481, TGAT deleted on the plus strand (ATCA on the coding strand, the reverse complement: GPR179 is on the minus strand); deleting any 4 consecutive bases within chr17:38,339,478-38,339,485 gives the same sequence; the c. name uses the placement nearest the transcript's 3' end. VCF-style (leftmost placement, unchanged base first): chr17-38339477-CTGAT-C. GRCh37 (hg19) VCF-style: chr17-36495360-CTGAT-C.
Other names: short protein forms N280fs.
Identifiers: ClinVar variation 1389797 (VCV001389797.6), dbSNP rs1244415676, ClinGen allele CA771717947.